The following is an entry in ClinVar:

NM_001040142.2(SCN2A):c.4403T>C (p.Phe1468Ser)

Gene: SCN2A (sodium voltage-gated channel alpha subunit 2; plus strand). Cytogenetic location: 2q24.3.
Variant type: single nucleotide variant.
Coding change: c.4403T>C on transcript NM_001040142.2 (MANE Select); coding-DNA position 4403, T replaced by C.
Protein change: p.Phe1468Ser; replaces phenylalanine 1468 with serine.
Molecular consequence: missense variant.
Genome position (GRCh38, 1-based): chr2:165,380,686, T>C. VCF-style: chr2-165380686-T-C. GRCh37 (hg19) VCF-style: chr2-166237196-T-C.
Other names: c.4403T>C, p.Phe1468Ser (NM_001040143.2, NM_001371246.1, NM_001371247.1 and 1 more transcripts); short protein forms F1468S.
Identifiers: ClinVar variation 1000435 (VCV001000435.9), dbSNP rs1701554113, ClinGen allele CA349034127.

ClinVar aggregate classification (germline): Uncertain significance (1 of 4 stars; one submission).

Conditions:
Developmental and epileptic encephalopathy, 11 (DEE11). Also called: Early infantile epileptic encephalopathy 11. Identifiers: Orphanet 1934, MedGen C3150987, MONDO:0013388, OMIM 613721.
Seizures, benign familial infantile, 3 (BFIS3). Also called: Familial neonatal seizures; CONVULSIONS, BENIGN FAMILIAL INFANTILE, 3. Identifiers: Orphanet 140927, Orphanet 306, MedGen C1843140, MONDO:0011904, OMIM 607745.

Submission:

Labcorp Genetics (formerly Invitae), Labcorp
Classification: Uncertain significance for Seizures, benign familial infantile, 3; Developmental and epileptic encephalopathy, 11. Last evaluated: 2022-06-13. Review status: criteria provided, single submitter. Criteria: Invitae Variant Classification Sherloc (09022015). Collection method: clinical testing. Allele origin: germline.
Comment: This sequence change replaces phenylalanine, which is neutral and non-polar, with serine, which is neutral and polar, at codon 1468 of the SCN2A protein (p.Phe1468Ser). In summary, the available evidence is currently insufficient to determine the role of this variant in disease. Therefore, it has been classified as a Variant of Uncertain Significance. Algorithms developed to predict the effect of missense changes on protein structure and function are either unavailable or do not agree on the potential impact of this missense change (SIFT: "Deleterious"; PolyPhen-2: "Possibly Damaging"; Align-GVGD: "Class C0"). ClinVar contains an entry for this variant (Variation ID: 1000435). This variant has not been reported in the literature in individuals affected with SCN2A-related conditions. This variant is not present in population databases (gnomAD no frequency).